The following is an entry in ClinVar:

ClinVar aggregate classification (germline): Uncertain significance (1 of 4 stars; one submission).

gnomAD v4.1: 1 of 1,614,142 alleles (0.000062%); no homozygotes.

Submission:

Ambry Genetics
Classification: Uncertain significance. Last evaluated: 2022-10-03. Review status: criteria provided, single submitter. Criteria: Ambry Variant Classification Scheme 2023. Collection method: clinical testing. Allele origin: germline.
Comment: The p.A60S variant (also known as c.178G>T), located in coding exon 1 of the MNDA gene, results from a G to T substitution at nucleotide position 178. The alanine at codon 60 is replaced by serine, an amino acid with similar properties. This amino acid position is conserved. In addition, this alteration is predicted to be tolerated by in silico analysis. Since supporting evidence is limited at this time, the clinical significance of this alteration remains unclear.

NM_002432.3(MNDA):c.178G>T (p.Ala60Ser)

Gene: MNDA (myeloid cell nuclear differentiation antigen; plus strand). Cytogenetic location: 1q23.1.
Variant type: single nucleotide variant.
Coding change: c.178G>T on transcript NM_002432.3 (MANE Select); coding-DNA position 178, G replaced by T.
Protein change: p.Ala60Ser; replaces alanine 60 with serine.
Molecular consequence: missense variant.
Genome position (GRCh38, 1-based): chr1:158,842,331, G>T. VCF-style: chr1-158842331-G-T. GRCh37 (hg19) VCF-style: chr1-158812121-G-T.
Other names: short protein forms A60S.
Identifiers: ClinVar variation 1780173 (VCV001780173.2), dbSNP rs2526075284, ClinGen allele CA343036975.